The following is an entry in ClinVar:

NM_014159.7(SETD2):c.1340C>T (p.Ser447Phe)

Gene: SETD2 (SET domain containing 2, histone lysine methyltransferase; minus strand). Cytogenetic location: 3p21.31.
Variant type: single nucleotide variant.
Coding change: c.1340C>T on transcript NM_014159.7 (MANE Select); coding-DNA position 1340, C replaced by T.
Protein change: p.Ser447Phe; replaces serine 447 with phenylalanine.
Molecular consequence: missense variant. On other transcripts: non-coding transcript variant (1).
Genome position (GRCh38, 1-based): chr3:47,123,296, G>A on the plus strand (C>T on the coding strand, the complement: SETD2 is on the minus strand). VCF-style: chr3-47123296-G-A. GRCh37 (hg19) VCF-style: chr3-47164786-G-A.
Other names: c.1208C>T, p.Ser403Phe (NM_001349370.3); short protein forms S447F, S403F.
Identifiers: ClinVar variation 2884201 (VCV002884201.3), dbSNP rs998524208, ClinGen allele CA73811574.

ClinVar aggregate classification (germline): Uncertain significance (1 of 4 stars; one submission).

Conditions:
Luscan-Lumish syndrome. Identifiers: Orphanet 597738, MedGen C4085873, MONDO:0014791, OMIM 616831.

Allele frequency attached by ClinVar (database versions not stated): gnomAD exomes below 0.00001; TOPMed below 0.00001.
gnomAD v4.1: 2 of 1,551,848 alleles (0.00013%); highest among the groups gnomAD compares: Admixed American, 0.002%; no homozygotes.

Submission:

Labcorp Genetics (formerly Invitae), Labcorp
Classification: Uncertain significance for Luscan-Lumish syndrome. Last evaluated: 2023-11-06. Review status: criteria provided, single submitter. Criteria: Invitae Variant Classification Sherloc (09022015). Collection method: clinical testing. Allele origin: germline.
Comment: This sequence change replaces serine, which is neutral and polar, with phenylalanine, which is neutral and non-polar, at codon 447 of the SETD2 protein (p.Ser447Phe). This variant is present in population databases (no rsID available, gnomAD 0.004%). This variant has not been reported in the literature in individuals affected with SETD2-related conditions. Advanced modeling of protein sequence and biophysical properties (such as structural, functional, and spatial information, amino acid conservation, physicochemical variation, residue mobility, and thermodynamic stability) performed at Invitae indicates that this missense variant is expected to disrupt SETD2 protein function. In summary, the available evidence is currently insufficient to determine the role of this variant in disease. Therefore, it has been classified as a Variant of Uncertain Significance.